The following is an entry in ClinVar:

ClinVar aggregate classification (germline): Uncertain significance. Review status: criteria provided, multiple submitters, no conflicts (2 of 4 stars). 2 submissions from 2 submitters: Uncertain significance (2). Last evaluated 2024-01-23.

Conditions:
Nephrolithiasis susceptibility caused by SLC26A1 (CAON1). Also called: NEPHROLITHIASIS, CALCIUM OXALATE, 1. Identifiers: MedGen C5779632, MONDO:0020722, OMIM 167030.
Hypersulfaturia (HYSULF). Identifiers: MedGen C5830511, MONDO:0957268, OMIM 620372.

Submissions (2):

Fulgent Genetics
Classification: Uncertain significance for Nephrolithiasis susceptibility caused by SLC26A1; Hypersulfaturia. Last evaluated: 2024-01-23. Review status: criteria provided, single submitter. Criteria: ACMG Guidelines, 2015. Collection method: clinical testing. Allele origin: germline.

Labcorp Genetics (formerly Invitae), Labcorp
Classification: Uncertain significance. Last evaluated: 2023-12-16. Review status: criteria provided, single submitter. Criteria: Invitae Variant Classification Sherloc (09022015). Collection method: clinical testing. Allele origin: germline.
Comment: This sequence change creates a premature translational stop signal (p.Pro333Leufs*8) in the SLC26A1 gene. While this is not anticipated to result in nonsense mediated decay, it is expected to disrupt the last 369 amino acid(s) of the SLC26A1 protein. This variant is present in population databases (rs754967651, gnomAD 0.005%). This variant has not been reported in the literature in individuals affected with SLC26A1-related conditions. ClinVar contains an entry for this variant (Variation ID: 1435603). In summary, the available evidence is currently insufficient to determine the role of this variant in disease. Therefore, it has been classified as a Variant of Uncertain Significance.

NM_022042.4(SLC26A1):c.990_997dup (p.Pro333fs)

Genes: IDUA (alpha-L-iduronidase; plus strand), SLC26A1 (solute carrier family 26 member 1; minus strand). Cytogenetic location: 4p16.3.
Variant type: Duplication.
Coding change: c.990_997dup on transcript NM_022042.4 (MANE Select); coding-DNA positions 990 to 997, 8 bases duplicated (TCAGGTCC; older notation c.990_997dupTCAGGTCC).
Protein change: p.Pro333fs; shifts the reading frame from proline 333.
Molecular consequence: frameshift variant. On other transcripts: intron variant (2).
Genome position (GRCh38, 1-based): chr4:989,942-989,949, GGACCTGA duplicated on the plus strand (TCAGGTCC on the coding strand, the reverse complement: SLC26A1 is on the minus strand); duplicating any 8 consecutive bases within chr4:989,942-989,951 gives the same sequence; the c. name uses the placement nearest the transcript's 3' end. VCF-style (leftmost placement, unchanged base first): chr4-989941-G-GGGACCTGA. GRCh37 (hg19) VCF-style: chr4-983729-G-GGGACCTGA.
Other names: c.990_997dup, p.Pro333fs (NM_213613.4); c.576+1179_576+1186dup (NM_134425.4); c.299+1995_299+2002dup (NM_000203.5); short protein forms P333fs.
Identifiers: ClinVar variation 1435603 (VCV001435603.10), dbSNP rs754967651, ClinGen allele CA91149140.